The following is an entry in ClinVar:

NM_001903.5(CTNNA1):c.1451T>C (p.Met484Thr)

Gene: CTNNA1 (catenin alpha 1; plus strand). Cytogenetic location: 5q31.2.
Variant type: single nucleotide variant.
Coding change: c.1451T>C on transcript NM_001903.5 (MANE Select); coding-DNA position 1451, T replaced by C.
Protein change: p.Met484Thr; replaces methionine 484 with threonine.
Molecular consequence: missense variant. On other transcripts: initiator codon variant (5).
Genome position (GRCh38, 1-based): chr5:138,917,803, T>C. VCF-style: chr5-138917803-T-C. GRCh37 (hg19) VCF-style: chr5-138253492-T-C.
Other names: c.1451T>C, p.Met484Thr (NM_001290307.3, NM_001323982.2, NM_001323983.1 and 2 more transcripts); c.1142T>C, p.Met381Thr (NM_001290309.3); c.1082T>C, p.Met361Thr (NM_001290310.3); c.341T>C, p.Met114Thr (NM_001290312.1, NM_001323987.1, NM_001323988.1 and 17 more transcripts); c.1358T>C, p.Met453Thr (NM_001323986.2); c.2T>C, p.Met1Thr (NM_001324006.1, NM_001324007.1, NM_001324008.1 and 2 more transcripts); c.248T>C, p.Met83Thr (NM_001324011.1); c.98T>C, p.Met33Thr (NM_001324012.1, NM_001324013.1); short protein forms M33T, M1T, M381T, M453T, M484T, M83T, M114T, M361T.
Identifiers: ClinVar variation 840104 (VCV000840104.12), dbSNP rs1465950903, ClinGen allele CA361137213.

ClinVar aggregate classification (germline): Uncertain significance. Review status: criteria provided, multiple submitters, no conflicts (2 of 4 stars). 2 submissions from 2 submitters: Uncertain significance (2). Last evaluated 2025-09-08.

Conditions:
Hereditary cancer-predisposing syndrome. Also called: Neoplastic Syndromes, Hereditary; Tumor predisposition; Hereditary neoplastic syndrome; Hereditary Cancer Syndrome. Identifiers: Orphanet 140162, MedGen C0027672, MeSH D009386, MONDO:0015356.

Allele frequency attached by ClinVar (database versions not stated): gnomAD exomes below 0.00001.
gnomAD v4.1: 3 of 1,614,182 alleles (0.00019%); highest among the groups gnomAD compares: Non-Finnish European, 0.00025%; no homozygotes.

Submissions (2):

Labcorp Genetics (formerly Invitae), Labcorp
Classification: Uncertain significance. Last evaluated: 2025-09-08. Review status: criteria provided, single submitter. Criteria: Invitae Variant Classification Sherloc (09022015). Collection method: clinical testing. Allele origin: germline.
Comment: This sequence change replaces methionine, which is neutral and non-polar, with threonine, which is neutral and polar, at codon 484 of the CTNNA1 protein (p.Met484Thr). The frequency data for this variant in the population databases is considered unreliable, as metrics indicate poor data quality at this position in the gnomAD database. This variant has not been reported in the literature in individuals affected with CTNNA1-related conditions. ClinVar contains an entry for this variant (Variation ID: 840104). Invitae Evidence Modeling of protein sequence and biophysical properties (such as structural, functional, and spatial information, amino acid conservation, physicochemical variation, residue mobility, and thermodynamic stability) indicates that this missense variant is expected to disrupt CTNNA1 protein function with a positive predictive value of 80%. In summary, the available evidence is currently insufficient to determine the role of this variant in disease. Therefore, it has been classified as a Variant of Uncertain Significance.

Ambry Genetics
Classification: Uncertain significance for Hereditary cancer-predisposing syndrome. Last evaluated: 2024-02-20. Review status: criteria provided, single submitter. Criteria: Ambry Variant Classification Scheme 2023. Collection method: clinical testing. Allele origin: germline.
Comment: The p.M484T variant (also known as c.1451T>C), located in coding exon 10 of the CTNNA1 gene, results from a T to C substitution at nucleotide position 1451. The methionine at codon 484 is replaced by threonine, an amino acid with similar properties. This amino acid position is conserved. In addition, this alteration is predicted to be deleterious by in silico analysis. Since supporting evidence is limited at this time, the clinical significance of this alteration remains unclear.